The following is an entry in ClinVar:

NM_006014.5(LAGE3):c.214C>T (p.Pro72Ser)

Gene: LAGE3 (L antigen family member 3; minus strand). Cytogenetic location: Xq28.
Variant type: single nucleotide variant.
Coding change: c.214C>T on transcript NM_006014.5 (MANE Select); coding-DNA position 214, C replaced by T.
Protein change: p.Pro72Ser; replaces proline 72 with serine.
Molecular consequence: missense variant.
Genome position (GRCh38, 1-based): chrX:154,478,386, G>A on the plus strand (C>T on the coding strand, the complement: LAGE3 is on the minus strand). VCF-style: chrX-154478386-G-A. GRCh37 (hg19) VCF-style: chrX-153706725-G-A.
Other names: short protein forms P72S.
Identifiers: ClinVar variation 3342918 (VCV003342918.2).

ClinVar aggregate classification (germline): Uncertain significance (1 of 4 stars; one submission).

Submission:

GeneDx
Classification: Uncertain significance. Last evaluated: 2026-07-06. Review status: criteria provided, single submitter. Criteria: GeneDx Variant Classification Process June 2021. Collection method: clinical testing. Allele origin: germline.
Comment: Not observed at significant frequency in large population cohorts (gnomAD); In silico analysis suggests that this missense variant does not alter protein structure/function; Has not been previously published as pathogenic or benign to our knowledge